The following is an entry in ClinVar:

ClinVar aggregate classification (germline): Likely benign (0 of 4 stars; one submission).

Conditions:
ACACB-related disorder. Also called: ACACB-related condition.

Allele frequency attached by ClinVar (database versions not stated): ExAC 0.00052; ESP Exome Variant Server 0.00054; gnomAD 0.00062; TOPMed 0.00077; gnomAD exomes 0.00099.

Submission:

PreventionGenetics, part of Exact Sciences
Classification: Likely benign for ACACB-related condition. Last evaluated: 2019-04-25. Review status: no assertion criteria provided. Collection method: clinical testing. Allele origin: germline.
Comment: This variant is classified as likely benign based on ACMG/AMP sequence variant interpretation guidelines (Richards et al. 2015 PMID: 25741868, with internal and published modifications).

NM_001093.4(ACACB):c.3948C>T (p.Asp1316=)

Gene: ACACB (acetyl-CoA carboxylase beta; plus strand). Cytogenetic location: 12q24.11.
Variant type: single nucleotide variant.
Coding change: c.3948C>T on transcript NM_001093.4 (MANE Select); coding-DNA position 3948, C replaced by T.
Protein change: p.Asp1316=; no amino-acid change (aspartic acid 1316 retained).
Molecular consequence: synonymous variant.
Genome position (GRCh38, 1-based): chr12:109,227,436, C>T. VCF-style: chr12-109227436-C-T. GRCh37 (hg19) VCF-style: chr12-109665241-C-T.
Other names: c.3948C>T, p.Asp1316= (NM_001412734.1, NM_001412735.1); c.3342C>T, p.Asp1114= (NM_001412736.1, NM_001412739.1); c.3321C>T, p.Asp1107= (NM_001412737.1); c.3153C>T, p.Asp1051= (NM_001412738.1).
Identifiers: ClinVar variation 3052834 (VCV003052834.2), dbSNP rs148959305, ClinGen allele CA6774195.